The following is an entry in ClinVar:

NM_198271.5(LMOD3):c.1190A>G (p.Gln397Arg)

Gene: LMOD3 (leiomodin 3; minus strand). Cytogenetic location: 3p14.1.
Variant type: single nucleotide variant.
Coding change: c.1190A>G on transcript NM_198271.5 (MANE Select); coding-DNA position 1190, A replaced by G.
Protein change: p.Gln397Arg; replaces glutamine 397 with arginine.
Molecular consequence: missense variant.
Genome position (GRCh38, 1-based): chr3:69,119,165, T>C on the plus strand (A>G on the coding strand, the complement: LMOD3 is on the minus strand). VCF-style: chr3-69119165-T-C. GRCh37 (hg19) VCF-style: chr3-69168316-T-C.
Other names: c.1190A>G, p.Gln397Arg (NM_001304418.3); c.1190A>G (NM_198271.3); short protein forms Q397R.
Identifiers: ClinVar variation 475293 (VCV000475293.52), dbSNP rs199592188, ClinGen allele CA2488842.

ClinVar aggregate classification (germline): Conflicting classifications of pathogenicity. Review status: criteria provided, conflicting classifications (1 of 4 stars). 5 submissions from 5 submitters: Uncertain significance (2); Likely benign (2). 1 of the submissions does not count toward it. Last evaluated 2026-02-01.

Conditions:
Inborn genetic diseases. Identifiers: MedGen C0950123, MeSH D030342.
Nemaline myopathy 10 (NEM10). Identifiers: MedGen C4015360, MONDO:0014513, OMIM 616165.
LMOD3-related disorder. Also called: LMOD3-related condition.

Allele frequency attached by ClinVar (database versions not stated): 1000 Genomes Project 0.00020; 1000 Genomes Project 30x 0.00031; gnomAD 0.00153 and 0.00163; TOPMed 0.00163; gnomAD exomes 0.00169 and 0.00220; ExAC 0.00187; ESP Exome Variant Server 0.00206.
gnomAD v4.1: 3,410 of 1,613,880 alleles (0.21%); highest among the groups gnomAD compares: Non-Finnish European, 0.26%; 7 homozygotes.

Submissions (5):

Labcorp Genetics (formerly Invitae), Labcorp
Classification: Likely benign for Nemaline myopathy 10. Last evaluated: 2026-02-01. Review status: criteria provided, single submitter. Criteria: Invitae Variant Classification Sherloc (09022015). Collection method: clinical testing. Allele origin: germline.

Ambry Genetics
Classification: Uncertain significance for Inborn genetic diseases. Last evaluated: 2022-08-08. Review status: criteria provided, single submitter. Criteria: Ambry Variant Classification Scheme 2023. Collection method: clinical testing. Allele origin: germline.

GeneDx
Classification: Likely benign. Last evaluated: 2021-07-27. Review status: criteria provided, single submitter. Criteria: GeneDx Variant Classification Process June 2021. Collection method: clinical testing. Allele origin: germline. Affected: yes.

CeGaT Center for Human Genetics Tuebingen
Classification: Uncertain significance. Last evaluated: 2021-03-01. Review status: criteria provided, single submitter. Criteria: CeGaT Center For Human Genetics Tuebingen Variant Classification Criteria Version 2. Collection method: clinical testing. Allele origin: germline. Affected: yes. Observed: 1 variant allele.

PreventionGenetics, part of Exact Sciences
Classification: Likely benign for LMOD3-related condition. Last evaluated: 2022-08-09. Review status: no assertion criteria provided. Collection method: clinical testing. Allele origin: germline. Not counted in ClinVar's aggregate classification.
Comment: This variant is classified as likely benign based on ACMG/AMP sequence variant interpretation guidelines (Richards et al. 2015 PMID: 25741868, with internal and published modifications).